The following is an entry in ClinVar:

ClinVar aggregate classification (germline): Uncertain significance (1 of 4 stars; one submission).

gnomAD v4.1: 1 of 1,614,066 alleles (0.000062%); highest among the groups gnomAD compares: Middle Eastern, 0.016%; no homozygotes.

Submission:

Labcorp Genetics (formerly Invitae), Labcorp
Classification: Uncertain significance. Last evaluated: 2025-09-29. Review status: criteria provided, single submitter. Criteria: Invitae Variant Classification Sherloc (09022015). Collection method: clinical testing. Allele origin: germline.
Comment: This sequence change replaces threonine, which is neutral and polar, with serine, which is neutral and polar, at codon 1848 of the FN1 protein (p.Thr1848Ser). This variant is not present in population databases (gnomAD no frequency). This variant has not been reported in the literature in individuals affected with FN1-related conditions. An algorithm developed to predict the effect of missense changes on protein structure and function (PolyPhen-2) suggests that this variant is likely to be tolerated. In summary, the available evidence is currently insufficient to determine the role of this variant in disease. Therefore, it has been classified as a Variant of Uncertain Significance.

NM_212482.4(FN1):c.5542A>T (p.Thr1848Ser)

Gene: FN1 (fibronectin 1; minus strand). Cytogenetic location: 2q35.
Variant type: single nucleotide variant.
Coding change: c.5542A>T on transcript NM_212482.4 (MANE Select); coding-DNA position 5542, A replaced by T.
Protein change: p.Thr1848Ser; replaces threonine 1848 with serine.
Molecular consequence: missense variant.
Genome position (GRCh38, 1-based): chr2:215,379,210, T>A on the plus strand (A>T on the coding strand, the complement: FN1 is on the minus strand). VCF-style: chr2-215379210-T-A. GRCh37 (hg19) VCF-style: chr2-216243933-T-A.
Other names: c.5542A>T, p.Thr1848Ser (NM_001306129.2); c.5272A>T, p.Thr1758Ser (NM_001306130.2, NM_001365517.2, NM_001365519.2 and 2 more transcripts); c.4999A>T, p.Thr1667Ser (NM_001306131.2, NM_001306132.2, NM_001365523.2 and 2 more transcripts); c.5269A>T, p.Thr1757Ser (NM_001365518.2, NM_001365520.2, NM_001365524.2 and 2 more transcripts); short protein forms T1758S, T1757S, T1848S, T1667S.
Identifiers: ClinVar variation 4706823 (VCV004706823.1).
Genomic context (GRCh38, chr2:215,379,210, plus strand): 5'-CGGATGAGCTGTCAGGAGCAAGGTTGATTTCTTTCATTGGTCCGGTCTTCTCCTTGGGGG[T>A]CACCCGCACTCGATATCCAGTGAGCTGAACATTGGGTGGTGTCCACTGGGCGCTCAGGCT-3'
Protein context (NP_997647.2, residues 1838-1858): VQLTGYRVRV[Thr1848Ser]PKEKTGPMKE